The following is an entry in ClinVar:

NM_002528.7(NTHL1):c.904C>T (p.Gln302Ter)

Gene: NTHL1 (nth like DNA glycosylase 1; minus strand). Cytogenetic location: 16p13.3.
Variant type: single nucleotide variant.
Coding change: c.904C>T on transcript NM_002528.7 (MANE Select); coding-DNA position 904, C replaced by T.
Protein change: p.Gln302Ter; replaces glutamine 302 with a stop codon.
Molecular consequence: nonsense.
Genome position (GRCh38, 1-based): chr16:2,039,935, G>A on the plus strand (C>T on the coding strand, the complement: NTHL1 is on the minus strand). VCF-style: chr16-2039935-G-A. GRCh37 (hg19) VCF-style: chr16-2089936-G-A.
Other names: c.733C>T, p.Gln245Ter (NM_001318193.2); c.574C>T, p.Gln192Ter (NM_001318194.2); short protein forms Q192*, Q245*, Q302*.
Identifiers: ClinVar variation 2677380 (VCV002677380.4), dbSNP rs748270262, ClinGen allele CA7828064.
Genomic context (GRCh38, chr16:2,039,935, plus strand): 5'-CTTCACAGACGGTGGCCACAGCGGCACCTCGGCCAGAGCCATGCGGCCATCAGAGACCCT[G>A]GGCGGCCGGGCAGAGGGCTTGGTTGAGGCAGGCGTGGCAGCGAGGGTGCACAGGCAGACA-3'

ClinVar aggregate classification (germline): Uncertain significance. Review status: criteria provided, multiple submitters, no conflicts (2 of 4 stars). 2 submissions from 2 submitters: Uncertain significance (2). Last evaluated 2023-11-15.

Conditions:
Familial adenomatous polyposis 3. Also called: NTHL1-Related Adenomatous Polyposis and Colorectal Cancer; NTHL1 Tumor Syndrome; NTHL1-related attenuated familial adenomatous polyposis; NTHL1-associated polyposis. Identifiers: Orphanet 220460, Orphanet 454840, MedGen C4225157, MONDO:0014630, OMIM 616415.

Allele frequency attached by ClinVar (database versions not stated): gnomAD exomes below 0.00001; ExAC 0.00001.
gnomAD v4.1: 2 of 1,603,078 alleles (0.00012%); highest among the groups gnomAD compares: Non-Finnish European, 0.00017%; no homozygotes.

Submissions (2):

Labcorp Genetics (formerly Invitae), Labcorp
Classification: Uncertain significance. Last evaluated: 2023-11-15. Review status: criteria provided, single submitter. Criteria: Invitae Variant Classification Sherloc (09022015). Collection method: clinical testing. Allele origin: germline.
Comment: This sequence change creates a premature translational stop signal (p.Gln310*) in the NTHL1 gene. While this is not anticipated to result in nonsense mediated decay, it is expected to disrupt the last 3 amino acid(s) of the NTHL1 protein. This variant is present in population databases (rs748270262, gnomAD 0.0009%). This premature translational stop signal has been observed in individual(s) with oligodendroglioma (PMID: 29625052). Experimental studies and prediction algorithms are not available or were not evaluated, and the functional significance of this variant is currently unknown. In summary, the available evidence is currently insufficient to determine the role of this variant in disease. Therefore, it has been classified as a Variant of Uncertain Significance.

Baylor Genetics
Classification: Uncertain significance for Familial adenomatous polyposis 3. Last evaluated: 2023-05-05. Review status: criteria provided, single submitter. Criteria: ACMG Guidelines, 2015. Collection method: clinical testing. Allele origin: unknown.

Literature cited by the submitters: PubMed 29625052 (cited by Labcorp Genetics (formerly Invitae), Labcorp).